The following is an entry in ClinVar:

ClinVar aggregate classification (germline): Conflicting classifications of pathogenicity. Review status: criteria provided, conflicting classifications (1 of 4 stars). 3 submissions from 3 submitters: Uncertain significance (1); Likely benign (2). Last evaluated 2025-12-08.

Conditions:
Weill-Marchesani 4 syndrome, recessive. Also called: Weill-Marchesani syndrome 4. Identifiers: Orphanet 363992, MedGen C2750787, MONDO:0013176, OMIM 613195.

Allele frequency attached by ClinVar (database versions not stated): gnomAD 0.00003 and 0.00004; gnomAD exomes 0.00003 and 0.00008; ExAC 0.00005; TOPMed 0.00005; 1000 Genomes Project 30x 0.00016; 1000 Genomes Project 0.00020.
gnomAD v4.1: 48 of 1,614,172 alleles (0.003%); highest among the groups gnomAD compares: Admixed American, 0.03%; no homozygotes.

Submissions (3):

Labcorp Genetics (formerly Invitae), Labcorp
Classification: Likely benign. Last evaluated: 2025-12-08. Review status: criteria provided, single submitter. Criteria: Invitae Variant Classification Sherloc (09022015). Collection method: clinical testing. Allele origin: germline.

Mayo Clinic Laboratories, Mayo Clinic
Classification: Likely benign. Last evaluated: 2025-10-22. Review status: criteria provided, single submitter. Criteria: ACMG Guidelines, 2015. Collection method: clinical testing. Allele origin: germline. Observed: 1 variant allele.
Comment: BP4, BP7

Illumina Laboratory Services, Illumina
Classification: Uncertain significance for Weill-Marchesani 4 syndrome, recessive. Last evaluated: 2018-01-13. Review status: criteria provided, single submitter. Criteria: ICSL Variant Classification Criteria 13 December 2019. Collection method: clinical testing. Allele origin: germline.

NM_139057.4(ADAMTS17):c.1008G>A (p.Val336=)

Gene: ADAMTS17 (ADAM metallopeptidase with thrombospondin type 1 motif 17; minus strand). Cytogenetic location: 15q26.3.
Variant type: single nucleotide variant.
Coding change: c.1008G>A on transcript NM_139057.4 (MANE Select); coding-DNA position 1008, G replaced by A.
Protein change: p.Val336=; no amino-acid change (valine 336 retained).
Molecular consequence: synonymous variant.
Genome position (GRCh38, 1-based): chr15:100,261,502, C>T on the plus strand (G>A on the coding strand, the complement: ADAMTS17 is on the minus strand). VCF-style: chr15-100261502-C-T. GRCh37 (hg19) VCF-style: chr15-100801707-C-T.
Other names: p.Val336=.
Identifiers: ClinVar variation 315305 (VCV000315305.13), dbSNP rs557358714, ClinGen allele CA7758448.
Genomic context (GRCh38, chr15:100,261,502, plus strand): 5'-CTCTCACATGTCAGCTACAGGCCAAATCCCATCTTACCTGGTCACAAACACGGCAGCATC[C>T]ACCAGGGGCGGGTCGTCCTTCCCGCCGGGAACCTGGTTATTGCCGAGGTATCGCGCTCCT-3'
Protein context (NP_620688.2, residues 326-346): VPGGKDDPPL[Val336=]DAAVFVTRTD